The following is an entry in ClinVar:

NM_000458.4(HNF1B):c.1539C>T (p.Tyr513=)

Gene: HNF1B (HNF1 homeobox B; minus strand). Cytogenetic location: 17q12.
Variant type: single nucleotide variant.
Coding change: c.1539C>T on transcript NM_000458.4 (MANE Select); coding-DNA position 1539, C replaced by T.
Protein change: p.Tyr513=; no amino-acid change (tyrosine 513 retained).
Molecular consequence: synonymous variant. On other transcripts: intron variant (1).
Genome position (GRCh38, 1-based): chr17:37,699,190, G>A on the plus strand (C>T on the coding strand, the complement: HNF1B is on the minus strand). VCF-style: chr17-37699190-G-A. GRCh37 (hg19) VCF-style: chr17-36059196-G-A.
Other names: c.1539C>T (NM_000458.3); c.1461C>T, p.Tyr487= (NM_001165923.4); c.1261+5727C>T (NM_001304286.2).
Identifiers: ClinVar variation 593736 (VCV000593736.13), dbSNP rs780554506, ClinGen allele CA8518800.

ClinVar aggregate classification (germline): Conflicting classifications of pathogenicity. Review status: criteria provided, conflicting classifications (1 of 4 stars). 5 submissions from 5 submitters: Uncertain significance (2); Likely benign (2). 1 of the submissions does not count toward it. Last evaluated 2026-01-26.

Conditions:
Maturity-onset diabetes of the young (MODY). Also called: Maturity onset diabetes mellitus in young. Identifiers: Orphanet 552, MedGen C0342276, MONDO:0018911, HP:0004904.
HNF1B-related disorder. Also called: HNF1B-related condition; HNF1B-related disorders.

Allele frequency attached by ClinVar (database versions not stated): ExAC 0.00001; gnomAD exomes 0.00001 and 0.00002; gnomAD 0.00004; TOPMed 0.00006.
gnomAD v4.1: 23 of 1,611,182 alleles (0.0014%); highest among the groups gnomAD compares: Admixed American, 0.012%; no homozygotes.

Submissions (5):

Labcorp Genetics (formerly Invitae), Labcorp
Classification: Likely benign. Last evaluated: 2026-01-26. Review status: criteria provided, single submitter. Criteria: Invitae Variant Classification Sherloc (09022015). Collection method: clinical testing. Allele origin: germline.

Ambry Genetics
Classification: Likely benign for Maturity-onset diabetes of the young. Last evaluated: 2021-12-16. Review status: criteria provided, single submitter. Criteria: Ambry Variant Classification Scheme 2023. Collection method: clinical testing. Allele origin: germline.

Eurofins Ntd Llc (ga)
Classification: Uncertain significance. Last evaluated: 2017-08-21. Review status: criteria provided, single submitter. Criteria: EGL Classification Definitions 2015. Collection method: clinical testing. Allele origin: germline. Observed: 1 variant allele, 1 heterozygote.

Clinical Genomics, Uppaluri K&H Personalized Medicine Clinic
Classification: Uncertain significance for Maturity-onset diabetes of the young. Review status: criteria provided, single submitter. Criteria: K & H Uppaluri Personalized Medicine Clinic Variant Classification & Assertion Criteria_Updated V.1. Collection method: research. Allele origin: unknown. Inheritance: Autosomal dominant inheritance.
Comment: HNF1B gene mutations are associated with early onset diabetes and pancreatic atrophy. It is also associated with multiple renal manifestations including renal cysts, Tubulointerstitial disease, glomerulocystic disease, renal hypoplasia, hypomagnesemia. However no sufficient evidence is found to ascertain the role of this particular variant rs780554506, yet.

PreventionGenetics, part of Exact Sciences
Classification: Likely benign for HNF1B-related condition. Last evaluated: 2024-03-27. Review status: no assertion criteria provided. Collection method: clinical testing. Allele origin: germline. Not counted in ClinVar's aggregate classification.
Comment: This variant is classified as likely benign based on ACMG/AMP sequence variant interpretation guidelines (Richards et al. 2015 PMID: 25741868, with internal and published modifications).

Literature cited by the submitters: PubMed 24897035 (cited by Clinical Genomics, Uppaluri K&H Personalized Medicine Clinic); PubMed 25536396 (cited by Clinical Genomics, Uppaluri K&H Personalized Medicine Clinic); PubMed 27615128 (cited by Clinical Genomics, Uppaluri K&H Personalized Medicine Clinic); PubMed 28215227 (cited by Clinical Genomics, Uppaluri K&H Personalized Medicine Clinic); PubMed 33434175 (cited by Clinical Genomics, Uppaluri K&H Personalized Medicine Clinic); PubMed 25741167 (cited by Clinical Genomics, Uppaluri K&H Personalized Medicine Clinic); PubMed 26340261 (cited by Clinical Genomics, Uppaluri K&H Personalized Medicine Clinic); PubMed 19639018 (cited by Clinical Genomics, Uppaluri K&H Personalized Medicine Clinic).